The following is an entry in ClinVar:

ClinVar aggregate classification (germline): Conflicting classifications of pathogenicity. Review status: criteria provided, conflicting classifications (1 of 4 stars). 3 submissions from 3 submitters: Uncertain significance (1); Likely benign (1). 1 of the submissions does not count toward it. Last evaluated 2022-09-19.

Conditions:
Inborn genetic diseases. Identifiers: MedGen C0950123, MeSH D030342.
SLC19A3-related disorder. Also called: SLC19A3-related condition.
Biotin-responsive basal ganglia disease (BTBGD). Also called: Thiamine metabolism dysfunction syndrome type 2; Thiamine Transporter-2 Deficiency; Thiamine metabolism dysfunction syndrome 2 (biotin- or thiamine-responsive encephalopathy type 2); thiamine-responsive encephalopathy; THIAMINE METABOLISM DYSFUNCTION SYNDROME 2 (BIOTIN- AND THIAMINE-RESPONSIVE TYPE). Identifiers: Orphanet 199348, Orphanet 65284, MedGen C1843807, MONDO:0011841, OMIM 607483.

Submissions (3):

Labcorp Genetics (formerly Invitae), Labcorp
Classification: Uncertain significance for Biotin-responsive basal ganglia disease. Last evaluated: 2022-09-19. Review status: criteria provided, single submitter. Criteria: Invitae Variant Classification Sherloc (09022015). Collection method: clinical testing. Allele origin: germline.
Comment: This variant, c.1379_1381dup, results in the insertion of 1 amino acid(s) of the SLC19A3 protein (p.Ile460dup), but otherwise preserves the integrity of the reading frame. This variant is present in population databases (rs756676536, gnomAD 0.2%). This variant has not been reported in the literature in individuals affected with SLC19A3-related conditions. ClinVar contains an entry for this variant (Variation ID: 215160). Experimental studies and prediction algorithms are not available or were not evaluated, and the functional significance of this variant is currently unknown. In summary, the available evidence is currently insufficient to determine the role of this variant in disease. Therefore, it has been classified as a Variant of Uncertain Significance.

Ambry Genetics
Classification: Likely benign for Inborn genetic diseases. Last evaluated: 2021-11-24. Review status: criteria provided, single submitter. Criteria: Ambry Variant Classification Scheme 2023. Collection method: clinical testing. Allele origin: germline.

PreventionGenetics, part of Exact Sciences
Classification: Likely benign for SLC19A3-related condition. Last evaluated: 2022-02-27. Review status: no assertion criteria provided. Collection method: clinical testing. Allele origin: germline. Not counted in ClinVar's aggregate classification.
Comment: This variant is classified as likely benign based on ACMG/AMP sequence variant interpretation guidelines (Richards et al. 2015 PMID: 25741868, with internal and published modifications).

Literature cited by the submitters: PubMed 28518168 (cited by Ambry Genetics); PubMed 32461654 (cited by Ambry Genetics).

NM_025243.4(SLC19A3):c.1379_1381dup (p.Ile460dup)

Gene: SLC19A3 (solute carrier family 19 member 3; minus strand). Cytogenetic location: 2q36.3.
Variant type: Duplication.
Coding change: c.1379_1381dup on transcript NM_025243.4 (MANE Select); coding-DNA positions 1379 to 1381, 3 bases duplicated (TTA; older notation c.1379_1381dupTTA).
Protein change: p.Ile460dup; duplicates isoleucine 460.
Molecular consequence: inframe insertion.
Genome position (GRCh38, 1-based): chr2:227,687,507-227,687,509, TAA duplicated on the plus strand (TTA on the coding strand, the reverse complement: SLC19A3 is on the minus strand); duplicating any 3 consecutive bases within chr2:227,687,507-227,687,511 gives the same sequence; the c. name uses the placement nearest the transcript's 3' end. VCF-style (leftmost placement, unchanged base first): chr2-227687506-G-GTAA. GRCh37 (hg19) VCF-style: chr2-228552222-G-GTAA.
Other names: c.1379_1381dup (NM_025243.3).
Identifiers: ClinVar variation 215160 (VCV000215160.9), dbSNP rs756676536, ClinGen allele CA325121.